The following is an entry in ClinVar:

ClinVar aggregate classification (germline): Uncertain significance (1 of 4 stars; one submission).

Submission:

GeneDx
Classification: Uncertain significance. Last evaluated: 2020-12-15. Review status: criteria provided, single submitter. Criteria: GeneDx Variant Classification Process June 2021. Collection method: clinical testing. Allele origin: germline. Affected: yes.
Comment: Not observed in large population cohorts (Lek et al., 2016); In silico analysis supports that this missense variant does not alter protein structure/function; Has not been previously published as pathogenic or benign to our knowledge

NM_015340.4(LARS2):c.125G>A (p.Ser42Asn)

Gene: LARS2 (leucyl-tRNA synthetase 2, mitochondrial; plus strand). Cytogenetic location: 3p21.31.
Variant type: single nucleotide variant.
Coding change: c.125G>A on transcript NM_015340.4 (MANE Select); coding-DNA position 125, G replaced by A.
Protein change: p.Ser42Asn; replaces serine 42 with asparagine.
Molecular consequence: missense variant.
Genome position (GRCh38, 1-based): chr3:45,394,578, G>A. VCF-style: chr3-45394578-G-A. GRCh37 (hg19) VCF-style: chr3-45436070-G-A.
Other names: c.125G>A, p.Ser42Asn (NM_001368263.1); short protein forms S42N.
Identifiers: ClinVar variation 1312582 (VCV001312582.2), dbSNP rs2125671988, ClinGen allele CA352974384.